The following is an entry in ClinVar:

ClinVar aggregate classification (germline): not provided (0 of 4 stars; one submission).

Allele frequency attached by ClinVar (database versions not stated): TOPMed 0.00002; gnomAD 0.00004 and 0.00005.

Submission:

Human Evolutionary Genetics, Institut Pasteur
No classification provided. Review status: no classification provided. Collection method: not provided. Allele origin: germline.
ClinVar note: Converted during submission from untested to not provided.

NM_134444.5(NLRP4):c.-175G>A

Gene: NLRP4 (NLR family pyrin domain containing 4; plus strand). Cytogenetic location: 19q13.43.
Variant type: single nucleotide variant.
Coding change: c.-175G>A on transcript NM_134444.5 (MANE Select); 175 bases upstream of the start codon, G replaced by A.
Molecular consequence: 5 prime UTR variant.
Genome position (GRCh38, 1-based): chr19:55,836,825, G>A. VCF-style: chr19-55836825-G-A. GRCh37 (hg19) VCF-style: chr19-56348191-G-A.
Identifiers: ClinVar variation 103214 (VCV000103214.2), dbSNP rs199475742, ClinGen allele CA230268.
Genomic context (GRCh38, chr19:55,836,825, plus strand): 5'-GGTGCCTCCCAGGAGCCTGAGACCTGTGAGAAGAATGGGGGGTGGAGGTGGGGGAGACTC[G>A]TCACGAAGGGAGACCTTGGAGCTTCGAGGGTGGGAATGTTCTTATTAGATTCTTCATCTC-3'